The following is an entry in ClinVar:

NM_001392073.1(KAT14):c.253C>T (p.Pro85Ser)

Genes: KAT14 (lysine acetyltransferase 14; plus strand), PET117 (PET117 cytochrome c oxidase chaperone; plus strand). Cytogenetic location: 20p11.23.
Variant type: single nucleotide variant.
Coding change: c.253C>T on transcript NM_001392073.1 (MANE Select); coding-DNA position 253, C replaced by T.
Protein change: p.Pro85Ser; replaces proline 85 with serine.
Molecular consequence: missense variant. On other transcripts: 3 prime UTR variant (1).
Genome position (GRCh38, 1-based): chr20:18,142,913, C>T. VCF-style: chr20-18142913-C-T. GRCh37 (hg19) VCF-style: chr20-18123557-C-T.
Other names: c.253C>T, p.Pro85Ser (NM_001392071.1, NM_001392072.1, NM_001392074.1 and 11 more transcripts); c.*556C>T (NM_001164811.2); short protein forms P85S.
Identifiers: ClinVar variation 2652220 (VCV002652220.24), dbSNP rs1600214543, ClinGen allele CA408337098.
Genomic context (GRCh38, chr20:18,142,913, plus strand): 5'-GACGTGTCTTGGATGGAGGAGCAGCTGTCCTACTTCTGTGACAAGTGCCAAAAATGGATA[C>T]CAGCCAGTAAGGAGCTTCTCAATTCCTTTGATTTGTCAATTCCTGTGTGAAGGTTTGTTT-3'
Protein context (NP_001379002.1, residues 75-95): YFCDKCQKWI[Pro85Ser]ASQLREQLSY

ClinVar aggregate classification (germline): Uncertain significance (1 of 4 stars; one submission).

Allele frequency attached by ClinVar (database versions not stated): gnomAD exomes below 0.00001; TOPMed 0.00001.
gnomAD v4.1: 6 of 1,613,656 alleles (0.00037%); highest among the groups gnomAD compares: African/African-American, 0.0013%; no homozygotes.

Submission:

CeGaT Center for Human Genetics Tuebingen
Classification: Uncertain significance. Last evaluated: 2023-08-01. Review status: criteria provided, single submitter. Criteria: CeGaT Center For Human Genetics Tuebingen Variant Classification Criteria Version 2. Collection method: clinical testing. Allele origin: germline. Affected: yes. Observed: 1 variant allele.
Comment: KAT14: PM2